The following is an entry in ClinVar:

NM_005591.4(MRE11):c.292T>C (p.Ser98Pro)

Gene: MRE11 (MRE11 double strand break repair nuclease; minus strand). Cytogenetic location: 11q21.
Variant type: single nucleotide variant.
Coding change: c.292T>C on transcript NM_005591.4 (MANE Select); coding-DNA position 292, T replaced by C.
Protein change: p.Ser98Pro; replaces serine 98 with proline.
Molecular consequence: missense variant.
Genome position (GRCh38, 1-based): chr11:94,485,946, A>G on the plus strand (T>C on the coding strand, the complement: MRE11 is on the minus strand). VCF-style: chr11-94485946-A-G. GRCh37 (hg19) VCF-style: chr11-94219112-A-G.
Other names: c.292T>C, p.Ser98Pro (NM_001330347.2, NM_005590.4); short protein forms S98P.
Identifiers: ClinVar variation 232143 (VCV000232143.7), dbSNP rs876659583, ClinGen allele CA10579417.

ClinVar aggregate classification (germline): Uncertain significance. Review status: criteria provided, single submitter (1 of 4 stars). 2 submissions from 2 submitters: Uncertain significance (1). 1 of the submissions does not count toward it. Last evaluated 2015-06-02.

Conditions:
Hereditary cancer-predisposing syndrome. Also called: Neoplastic Syndromes, Hereditary; Tumor predisposition; Hereditary Cancer Syndrome; Hereditary neoplastic syndrome. Identifiers: Orphanet 140162, MedGen C0027672, MeSH D009386, MONDO:0015356.
MRE11-related disorder. Also called: MRE11-related condition.

Allele frequency attached by ClinVar (database versions not stated): TOPMed below 0.00001.

Submissions (2):

Ambry Genetics
Classification: Uncertain significance for Hereditary cancer-predisposing syndrome. Last evaluated: 2015-06-02. Review status: criteria provided, single submitter. Criteria: Ambry Variant Classification Scheme 2023. Collection method: clinical testing. Allele origin: germline.
Comment: The p.S98P variant (also known as c.292T>C), located in coding exon 3 of the MRE11A gene, results from a T to C substitution at nucleotide position 292. The serine at codon 98 is replaced by proline, an amino acid with similar properties. This variant was not reported in population based cohorts in the following databases: Database of Single Nucleotide Polymorphisms (dbSNP), NHLBI Exome Sequencing Project (ESP), and 1000 Genomes Project. In the ESP, this variant was not observed in 6499 samples (12998 alleles) with coverage at this position. To date, this alteration has been detected with an allele frequency of approximately 0.002% (greater than 65000 alleles tested) in our clinical cohort. This amino acid position is well conserved in available vertebrate species. In addition, the in silico prediction for this alteration is inconclusive. Since supporting evidence is limited at this time, the clinical significance of p.S98P remains unclear.

PreventionGenetics, part of Exact Sciences
Classification: Uncertain significance for MRE11-related condition. Last evaluated: 2024-02-28. Review status: no assertion criteria provided. Collection method: clinical testing. Allele origin: germline. Not counted in ClinVar's aggregate classification.
Comment: The MRE11 c.292T>C variant is predicted to result in the amino acid substitution p.Ser98Pro. To our knowledge, this variant has not been reported in the literature or in a large population database, indicating this variant is rare. In ClinVar, it is reported as a variant of uncertain significance. At this time, the clinical significance of this variant is uncertain due to the absence of conclusive functional and genetic evidence.